The following is an entry in ClinVar:

NM_004370.6(COL12A1):c.4387A>G (p.Ser1463Gly)

Gene: COL12A1 (collagen type XII alpha 1 chain; minus strand). Cytogenetic location: 6q13.
Variant type: single nucleotide variant.
Coding change: c.4387A>G on transcript NM_004370.6 (MANE Select); coding-DNA position 4387, A replaced by G.
Protein change: p.Ser1463Gly; replaces serine 1463 with glycine.
Molecular consequence: missense variant.
Genome position (GRCh38, 1-based): chr6:75,147,705, T>C on the plus strand (A>G on the coding strand, the complement: COL12A1 is on the minus strand). VCF-style: chr6-75147705-T-C. GRCh37 (hg19) VCF-style: chr6-75857421-T-C.
Other names: c.895A>G, p.Ser299Gly (NM_080645.3); short protein forms S1463G, S299G.
Identifiers: ClinVar variation 1810672 (VCV001810672.1), dbSNP rs897954123, ClinGen allele CA364744574.
Genomic context (GRCh38, chr6:75,147,705, plus strand): 5'-AATGAGAAACAATTTTTTAATCTGACTCACAGGTTTTTTCTGTCCCCTTCAGAGGCTCAC[T>C]ATATTCATCTTCTACCACAGAATACACATTGACAACATATTCAGTTTCAGGTTTCAGATC-3'
Protein context (NP_004361.3, residues 1453-1473): NVYSVVEDEY[Ser1463Gly]EPLKGTEKTL

ClinVar aggregate classification (germline): Uncertain significance (1 of 4 stars; one submission).

Submission:

GeneDx
Classification: Uncertain significance. Last evaluated: 2022-07-05. Review status: criteria provided, single submitter. Criteria: GeneDx Variant Classification Process June 2021. Collection method: clinical testing. Allele origin: germline. Affected: yes.
Comment: Not observed at significant frequency in large population cohorts (gnomAD); In silico analysis supports a deleterious effect on splicing; In silico analysis supports that this missense variant does not alter protein structure/function; Has not been previously published as pathogenic or benign to our knowledge